The following is an entry in ClinVar:

NM_001371928.1(AHDC1):c.1945del (p.Ala649fs)

Gene: AHDC1 (AT-hook DNA binding motif containing 1; minus strand). Cytogenetic location: 1p36.11.
Variant type: Deletion.
Coding change: c.1945del on transcript NM_001371928.1 (MANE Select); coding-DNA position 1945, one base deleted (G; older notation c.1945delG).
Protein change: p.Ala649fs; shifts the reading frame from alanine 649.
Molecular consequence: frameshift variant.
Genome position (GRCh38, 1-based): chr1:27,550,171, C deleted on the plus strand (G on the coding strand, the reverse complement: AHDC1 is on the minus strand); the first of 2 consecutive C bases (chr1:27,550,171-27,550,172); deleting either gives the same sequence. VCF-style (leftmost placement, unchanged base first): chr1-27550170-GC-G. GRCh37 (hg19) VCF-style: chr1-27876681-GC-G.
Other names: c.1945del, p.Ala649fs (NM_001029882.3); short protein forms A649fs.
Identifiers: ClinVar variation 208158 (VCV000208158.3), dbSNP rs796065042, ClinGen allele CA319660.

ClinVar aggregate classification (germline): Pathogenic. Review status: criteria provided, single submitter (1 of 4 stars). 2 submissions from 2 submitters: Pathogenic (1). 1 of the submissions does not count toward it. Last evaluated 2014-10-28.

Conditions:
AHDC1-related intellectual disability - obstructive sleep apnea - mild dysmorphism syndrome. Also called: Xia-Gibbs syndrome. Identifiers: Orphanet 412069, MedGen C4014419, MONDO:0014358, OMIM 615829.

Submissions (2):

GeneDx
Classification: Pathogenic. Last evaluated: 2014-10-28. Review status: criteria provided, single submitter. Criteria: GeneDx Variant Classification (06012015). Collection method: clinical testing. Allele origin: germline. Affected: yes.
Comment: c.1945delG: p.Ala649ProfsX83 in exon 6 in the AHDC1 gene (NM_001029882.2). The normal sequence with the base that is deleted in braces is: CCAG{G}CCCCCG. The c.1945delG variant in the AHDC1 gene has not been reported previously as a disease-causing mutation nor as a benign polymorphism, to our knowledge. The c.1945delG variant causes a frameshift starting with codon Alanine 649, changes this amino acid to a Proline residue and creates a premature Stop codon at position 83 of the new reading frame, denoted p.Ala649ProfsX83. This variant is predicted to cause loss of normal protein function either through protein truncation or nonsense-mediated mRNA decay. The c.1945delG variant was not observed in approximately 6,500 individuals of European and African American ancestry in the NHLBI Exome Sequencing Project, indicating it is not a common benign variant in these populations. We interpret c.1945delG as a pathogenic variant. This variant has been observed to be de novo with confirmed parentage. This variant was found in AHDC1 panel(s).

Human Genome Sequencing Center Clinical Lab, Baylor College of Medicine
Classification: Pathogenic for AHDC1-related intellectual disability - obstructive sleep apnea - mild dysmorphism syndrome. Review status: no assertion criteria provided. Collection method: clinical testing. Allele origin: de novo. Affected: yes. Not counted in ClinVar's aggregate classification.